The following is an entry in ClinVar:

ClinVar aggregate classification (germline): Uncertain significance. Review status: criteria provided, multiple submitters, no conflicts (2 of 4 stars). 2 submissions from 2 submitters: Uncertain significance (2). Last evaluated 2025-03-10.

Allele frequency attached by ClinVar (database versions not stated): ExAC 0.00002; ESP Exome Variant Server 0.00008.
gnomAD v4.1: 19 of 1,612,984 alleles (0.0012%); highest among the groups gnomAD compares: Non-Finnish European, 0.0016%; no homozygotes.

Submissions (2):

Ambry Genetics
Classification: Uncertain significance. Last evaluated: 2025-03-10. Review status: criteria provided, single submitter. Criteria: Ambry Variant Classification Scheme 2023. Collection method: clinical testing. Allele origin: germline.
Comment: The p.E307D variant (also known as c.921A>T), located in coding exon 9 of the SRP72 gene, results from an A to T substitution at nucleotide position 921. The glutamic acid at codon 307 is replaced by aspartic acid, an amino acid with highly similar properties. This amino acid position is conserved. In addition, this alteration is predicted to be tolerated by in silico analysis. Based on the available evidence, the clinical significance of this variant remains unclear.

Labcorp Genetics (formerly Invitae), Labcorp
Classification: Uncertain significance. Last evaluated: 2023-05-01. Review status: criteria provided, single submitter. Criteria: Invitae Variant Classification Sherloc (09022015). Collection method: clinical testing. Allele origin: germline.
Comment: In summary, the available evidence is currently insufficient to determine the role of this variant in disease. Therefore, it has been classified as a Variant of Uncertain Significance. Advanced modeling of protein sequence and biophysical properties (such as structural, functional, and spatial information, amino acid conservation, physicochemical variation, residue mobility, and thermodynamic stability) performed at Invitae indicates that this missense variant is not expected to disrupt SRP72 protein function. This sequence change replaces glutamic acid, which is acidic and polar, with aspartic acid, which is acidic and polar, at codon 307 of the SRP72 protein (p.Glu307Asp). This variant is present in population databases (rs139159636, gnomAD 0.004%). This variant has not been reported in the literature in individuals affected with SRP72-related conditions.

NM_006947.4(SRP72):c.921A>T (p.Glu307Asp)

Gene: SRP72 (signal recognition particle 72; plus strand). Cytogenetic location: 4q12.
Variant type: single nucleotide variant.
Coding change: c.921A>T on transcript NM_006947.4 (MANE Select); coding-DNA position 921, A replaced by T.
Protein change: p.Glu307Asp; replaces glutamic acid 307 with aspartic acid.
Molecular consequence: missense variant. On other transcripts: non-coding transcript variant (1).
Genome position (GRCh38, 1-based): chr4:56,483,234, A>T. VCF-style: chr4-56483234-A-T. GRCh37 (hg19) VCF-style: chr4-57349400-A-T.
Other names: c.738A>T, p.Glu246Asp (NM_001267722.2); c.921A>T (NM_006947.3); short protein forms E307D, E246D.
Identifiers: ClinVar variation 2977461 (VCV002977461.4), dbSNP rs139159636, ClinGen allele CA2931216.
Genomic context (GRCh38, chr4:56,483,234, plus strand): 5'-ATTAACCAATGCGGAAGGAGTAGAGTTTAAGCTTTCCAAGAAACAACTACAAGCTATAGA[A>T]TTTAACAAAGCTTTACTTGCTATGTACACAAACCAGGTGGGTAATTACCTTTGGTGTCAT-3'
Protein context (NP_008878.3, residues 297-317): KLSKKQLQAI[Glu307Asp]FNKALLAMYT